The following is an entry in ClinVar:

NM_182972.3(IRF2BP2):c.520C>A (p.Gln174Lys)

Gene: IRF2BP2 (interferon regulatory factor 2 binding protein 2; minus strand). Cytogenetic location: 1q42.3.
Variant type: single nucleotide variant.
Coding change: c.520C>A on transcript NM_182972.3 (MANE Select); coding-DNA position 520, C replaced by A.
Protein change: p.Gln174Lys; replaces glutamine 174 with lysine.
Molecular consequence: missense variant.
Genome position (GRCh38, 1-based): chr1:234,608,975, G>T on the plus strand (C>A on the coding strand, the complement: IRF2BP2 is on the minus strand). VCF-style: chr1-234608975-G-T. GRCh37 (hg19) VCF-style: chr1-234744721-G-T.
Other names: c.520C>A, p.Gln174Lys (NM_001077397.1); short protein forms Q174K.
Identifiers: ClinVar variation 1442434 (VCV001442434.8), dbSNP rs1233339474, ClinGen allele CA345309912.

ClinVar aggregate classification (germline): Uncertain significance (1 of 4 stars; one submission).

gnomAD v4.1: 1 of 1,359,734 alleles (0.000074%); highest among the groups gnomAD compares: Non-Finnish European, 0.000094%; no homozygotes.

Submission:

Labcorp Genetics (formerly Invitae), Labcorp
Classification: Uncertain significance. Last evaluated: 2021-06-04. Review status: criteria provided, single submitter. Criteria: Invitae Variant Classification Sherloc (09022015). Collection method: clinical testing. Allele origin: germline.
Comment: This sequence change replaces glutamine with lysine at codon 174 of the IRF2BP2 protein (p.Gln174Lys). The glutamine residue is moderately conserved and there is a small physicochemical difference between glutamine and lysine. This variant is not present in population databases (ExAC no frequency). This variant has not been reported in the literature in individuals with IRF2BP2-related conditions. Algorithms developed to predict the effect of missense changes on protein structure and function (SIFT, PolyPhen-2, Align-GVGD) all suggest that this variant is likely to be tolerated, but these predictions have not been confirmed by published functional studies and their clinical significance is uncertain. In summary, the available evidence is currently insufficient to determine the role of this variant in disease. Therefore, it has been classified as a Variant of Uncertain Significance.